The following is an entry in ClinVar:

NM_017999.5(RNF31):c.1469A>C (p.Gln490Pro)

Gene: RNF31 (ring finger protein 31; plus strand). Cytogenetic location: 14q12.
Variant type: single nucleotide variant.
Coding change: c.1469A>C on transcript NM_017999.5 (MANE Select); coding-DNA position 1469, A replaced by C.
Protein change: p.Gln490Pro; replaces glutamine 490 with proline.
Molecular consequence: missense variant.
Genome position (GRCh38, 1-based): chr14:24,150,869, A>C. VCF-style: chr14-24150869-A-C. GRCh37 (hg19) VCF-style: chr14-24620078-A-C.
Other names: c.1016A>C, p.Gln339Pro (NM_001310332.2); short protein forms Q339P, Q490P.
Identifiers: ClinVar variation 4761859 (VCV004761859.1).
Genomic context (GRCh38, chr14:24,150,869, plus strand): 5'-CCAGTTCCTGTGGAGATCCTGAGAAGCAGCGCCAAGACAAGATGCGGGAAGAAGGCCTCC[A>C]GCTAGTGAGCATGATCCGGGTAAGGACTGGGCCTGCGATGAGGTAGGGCTGAGCTGGTCT-3'
Protein context (NP_060469.4, residues 480-500): RQDKMREEGL[Gln490Pro]LVSMIREGEA

ClinVar aggregate classification (germline): Uncertain significance (1 of 4 stars; one submission).

gnomAD v4.1: 22 of 1,560,296 alleles (0.0014%); highest among the groups gnomAD compares: Non-Finnish European, 0.0019%; no homozygotes.

Submission:

Labcorp Genetics (formerly Invitae), Labcorp
Classification: Uncertain significance. Last evaluated: 2025-04-03. Review status: criteria provided, single submitter. Criteria: Invitae Variant Classification Sherloc (09022015). Collection method: clinical testing. Allele origin: germline.
Comment: This sequence change replaces glutamine, which is neutral and polar, with proline, which is neutral and non-polar, at codon 490 of the RNF31 protein (p.Gln490Pro). This variant is present in population databases (rs759248708, gnomAD 0.002%). This variant has not been reported in the literature in individuals affected with RNF31-related conditions. An algorithm developed to predict the effect of missense changes on protein structure and function (PolyPhen-2) suggests that this variant is likely to be disruptive. In summary, the available evidence is currently insufficient to determine the role of this variant in disease. Therefore, it has been classified as a Variant of Uncertain Significance.